The following is an entry in ClinVar:

NM_000548.5(TSC2):c.5375A>G (p.Gln1792Arg)

Gene: TSC2 (TSC complex subunit 2; plus strand). Cytogenetic location: 16p13.3.
Variant type: single nucleotide variant.
Coding change: c.5375A>G on transcript NM_000548.5 (MANE Select); coding-DNA position 5375, A replaced by G.
Protein change: p.Gln1792Arg; replaces glutamine 1792 with arginine.
Molecular consequence: missense variant.
Genome position (GRCh38, 1-based): chr16:2,088,561, A>G. VCF-style: chr16-2088561-A-G. GRCh37 (hg19) VCF-style: chr16-2138562-A-G.
Other names: c.5174A>G, p.Gln1725Arg (NM_001077183.3); c.5306A>G, p.Gln1769Arg (NM_001114382.3); c.5066A>G, p.Gln1689Arg (NM_001318827.2); c.5030A>G, p.Gln1677Arg (NM_001318829.2); c.4643A>G, p.Gln1548Arg (NM_001318831.2); c.5207A>G, p.Gln1736Arg (NM_001318832.2); c.5177A>G, p.Gln1726Arg (NM_001363528.2); c.5243A>G, p.Gln1748Arg (NM_001370404.1); and 27 more; short protein forms Q1191R, Q1525R, Q1526R, Q1572R, Q1676R, Q1677R, Q1719R, Q1736R.
Identifiers: ClinVar variation 1747118 (VCV001747118.3), dbSNP rs2544518249, ClinGen allele CA394315953.

ClinVar aggregate classification (germline): Uncertain significance (1 of 4 stars; one submission).

Conditions:
Hereditary cancer-predisposing syndrome. Also called: Hereditary Cancer Syndrome; Neoplastic Syndromes, Hereditary; Tumor predisposition; Hereditary neoplastic syndrome. Identifiers: Orphanet 140162, MedGen C0027672, MeSH D009386, MONDO:0015356.

gnomAD v4.1: 1 of 1,610,784 alleles (0.000062%); highest among the groups gnomAD compares: Non-Finnish European, 0.000085%; no homozygotes.

Submission:

Ambry Genetics
Classification: Uncertain significance for Hereditary cancer-predisposing syndrome. Last evaluated: 2025-05-16. Review status: criteria provided, single submitter. Criteria: Ambry Variant Classification Scheme 2023. Collection method: clinical testing. Allele origin: germline.
Comment: The p.Q1792R variant (also known as c.5375A>G), located in coding exon 41 of the TSC2 gene, results from an A to G substitution at nucleotide position 5375. The glutamine at codon 1792 is replaced by arginine, an amino acid with highly similar properties. This amino acid position is highly conserved in available vertebrate species. In addition, this alteration is predicted to be deleterious by in silico analysis. Based on the available evidence, the clinical significance of this variant remains unclear.